The following is an entry in ClinVar:

ClinVar aggregate classification (germline): Uncertain significance. Review status: criteria provided, multiple submitters, no conflicts (2 of 4 stars). 2 submissions from 2 submitters: Uncertain significance (2). Last evaluated 2025-04-06.

Conditions:
Hereditary nonpolyposis colorectal neoplasms. Identifiers: MedGen C0009405, MeSH D003123.
Hereditary cancer-predisposing syndrome. Also called: Neoplastic Syndromes, Hereditary; Hereditary neoplastic syndrome; Tumor predisposition; Hereditary Cancer Syndrome. Identifiers: Orphanet 140162, MedGen C0027672, MeSH D009386, MONDO:0015356.

Submissions (2):

Ambry Genetics
Classification: Uncertain significance for Hereditary cancer-predisposing syndrome. Last evaluated: 2025-04-06. Review status: criteria provided, single submitter. Criteria: Ambry Variant Classification Scheme 2023. Collection method: clinical testing. Allele origin: germline.
Comment: The p.L664V variant (also known as c.1990C>G), located in coding exon 11 of the PMS2 gene, results from a C to G substitution at nucleotide position 1990. The leucine at codon 664 is replaced by valine, an amino acid with highly similar properties. This amino acid position is conserved. In addition, the in silico prediction for this alteration is inconclusive. Based on the available evidence, the clinical significance of this variant remains unclear.

Labcorp Genetics (formerly Invitae), Labcorp
Classification: Uncertain significance for Hereditary nonpolyposis colorectal neoplasms. Last evaluated: 2022-12-24. Review status: criteria provided, single submitter. Criteria: Invitae Variant Classification Sherloc (09022015). Collection method: clinical testing. Allele origin: germline.
Comment: In summary, the available evidence is currently insufficient to determine the role of this variant in disease. Therefore, it has been classified as a Variant of Uncertain Significance. Advanced modeling of protein sequence and biophysical properties (such as structural, functional, and spatial information, amino acid conservation, physicochemical variation, residue mobility, and thermodynamic stability) performed at Invitae indicates that this missense variant is expected to disrupt PMS2 protein function. This variant has not been reported in the literature in individuals affected with PMS2-related conditions. This variant is not present in population databases (gnomAD no frequency). This sequence change replaces leucine, which is neutral and non-polar, with valine, which is neutral and non-polar, at codon 664 of the PMS2 protein (p.Leu664Val).

NM_000535.7(PMS2):c.1990C>G (p.Leu664Val)

Gene: PMS2 (PMS1 homolog 2, mismatch repair system component; minus strand). Cytogenetic location: 7p22.1.
Variant type: single nucleotide variant.
Coding change: c.1990C>G on transcript NM_000535.7 (MANE Select); coding-DNA position 1990, C replaced by G.
Protein change: p.Leu664Val; replaces leucine 664 with valine.
Molecular consequence: missense variant. On other transcripts: non-coding transcript variant (1), intron variant (1).
Genome position (GRCh38, 1-based): chr7:5,986,775, G>C on the plus strand (C>G on the coding strand, the complement: PMS2 is on the minus strand). VCF-style: chr7-5986775-G-C. GRCh37 (hg19) VCF-style: chr7-6026406-G-C.
Other names: c.1585C>G, p.Leu529Val (NM_001018040.1, NM_001322003.2, NM_001322004.2 and 17 more transcripts); c.1834C>G, p.Leu612Val (NM_001322006.2, NM_001406870.1); c.1672C>G, p.Leu558Val (NM_001322007.2, NM_001322008.2, NM_001406876.1 and 2 more transcripts); c.1429C>G, p.Leu477Val (NM_001322010.2, NM_001406906.1, NM_001406907.1); c.1057C>G, p.Leu353Val (NM_001322011.2, NM_001322012.2); c.1417C>G, p.Leu473Val (NM_001322013.2, NM_001406909.1); c.1990C>G, p.Leu664Val (NM_001322014.2, NM_001406871.1, NM_001406872.1); c.1681C>G, p.Leu561Val (NM_001322015.2, NM_001406875.1, NM_001406877.1 and 5 more transcripts); and 13 more; short protein forms L353V, L529V, L558V, L561V, L407V, L473V, L477V, L542V.
Identifiers: ClinVar variation 2823717 (VCV002823717.4), dbSNP rs1782919030, ClinGen allele CA366738924.